The following is an entry in ClinVar:

GRCh38/hg38 22q12.1-12.2(chr22:28441035-30276511)x1

Genes: AP1B1 (adaptor related protein complex 1 subunit beta 1; minus strand), ASCC2 (activating signal cointegrator 1 complex subunit 2; minus strand), C22orf31 (chromosome 22 open reading frame 31; minus strand), CABP7 (calcium binding protein 7; plus strand), CABP7-DT (CABP7 divergent transcript; minus strand) and 86 more. Cytogenetic location: 22q12.1-12.2.
Variant type: copy number loss.
Change: copy number 1 (one copy instead of two) of chr22:28,441,035-30,276,511 (1.84 Mb, GRCh38 coordinates, 1-based), cytogenetic band 22q12.1-12.2.
Identifiers: ClinVar variation 59074 (VCV000059074.1).

ClinVar aggregate classification (germline): Pathogenic (1 of 4 stars; one submission).

Submission:

ISCA site 14
Classification: Pathogenic. Last evaluated: 2011-08-12. Review status: criteria provided, single submitter. Criteria: Kaminsky et al. (Genet Med. 2011). Collection method: clinical testing. Allele origin: de novo. Affected: yes. Observed: 1 variant allele.
Comment: Copy number variation identified through the course of routine clinical cytogenomic testing in postnatal populations. Clinical assertions have been curated as described in Kaminsky et al. 2011.